The following is an entry in ClinVar:

NM_152564.5(VPS13B):c.4321dup (p.Thr1441fs)

Gene: VPS13B (vacuolar protein sorting 13 homolog B; plus strand). Cytogenetic location: 8q22.2.
Variant type: Duplication.
Coding change: c.4321dup on transcript NM_152564.5 (MANE Select); coding-DNA position 4321, one base duplicated (A; older notation c.4321dupA).
Protein change: p.Thr1441fs; shifts the reading frame from threonine 1441.
Molecular consequence: frameshift variant.
Genome position (GRCh38, 1-based): chr8:99,511,200, A duplicated; the last of 2 consecutive A bases (chr8:99,511,199-99,511,200); duplicating either gives the same sequence. VCF-style (leftmost placement, unchanged base first): chr8-99511198-T-TA. GRCh37 (hg19) VCF-style: chr8-100523426-T-TA.
Other names: c.4396dupA (NM_017890.4); c.4396dup, p.Thr1466fs (NM_017890.5); short protein forms T1441fs, T1466fs.
Identifiers: ClinVar variation 56663 (VCV000056663.2), dbSNP rs386834085, ClinGen allele CA264073.
Genomic context (GRCh38, chr8:99,511,198, plus strand): 5'-AGCATGGATTCCTCTCTCTGACATACACAAAAGCTGTAACAAAAAATGTCCGCCACAAGT[T>TA]AACATCAAGAAATGAGCGAAGAAGTTTTCATAAGTTATCTGAAGGCCTAATGGATGGTTC-3'

ClinVar aggregate classification (germline): Likely pathogenic (0 of 4 stars; one submission).

Conditions:
Cohen syndrome (COH1). Also called: PEPPER SYNDROME; Cutis verticis gyrata, retinitis pigmentosa, and sensorineural deafness. Identifiers: Orphanet 193, MedGen C0265223, MONDO:0008999, OMIM 216550.

Submission:

Juha Muilu Group; Institute for Molecular Medicine Finland (FIMM)
Classification: Likely pathogenic for Cohen syndrome. Review status: no assertion criteria provided. Collection method: not provided. Allele origin: unknown.
Comment: FinDis database variant: This variant was not found or characterized by our laboratory, data were collected from public sources: see reference
ClinVar note: Converted during submission from probable-pathogenic to Likely pathogenic.